The following is an entry in ClinVar:

ClinVar aggregate classification (germline): Likely benign (1 of 4 stars; one submission).

Allele frequency attached by ClinVar (database versions not stated): TOPMed below 0.00001.
gnomAD v4.1: 38 of 1,614,062 alleles (0.0024%); highest among the groups gnomAD compares: Non-Finnish European, 0.0031%; no homozygotes.

Submission:

CeGaT Center for Human Genetics Tuebingen
Classification: Likely benign. Last evaluated: 2022-12-01. Review status: criteria provided, single submitter. Criteria: CeGaT Center For Human Genetics Tuebingen Variant Classification Criteria Version 2. Collection method: clinical testing. Allele origin: germline. Affected: yes. Observed: 1 variant allele.
Comment: KCNT1: PM2:Supporting, BP4, BP7

NM_020822.3(KCNT1):c.2442G>A (p.Leu814=)

Gene: KCNT1 (potassium sodium-activated channel subfamily T member 1; plus strand). Cytogenetic location: 9q34.3.
Variant type: single nucleotide variant.
Coding change: c.2442G>A on transcript NM_020822.3 (MANE Select); coding-DNA position 2442, G replaced by A.
Protein change: p.Leu814=; no amino-acid change (leucine 814 retained).
Molecular consequence: synonymous variant.
Genome position (GRCh38, 1-based): chr9:135,777,430, G>A. VCF-style: chr9-135777430-G-A. GRCh37 (hg19) VCF-style: chr9-138669276-G-A.
Other names: c.2307G>A, p.Leu769= (NM_001272003.2).
Identifiers: ClinVar variation 2659718 (VCV002659718.24), dbSNP rs1233784993, ClinGen allele CA467698994.
Genomic context (GRCh38, chr9:135,777,430, plus strand): 5'-GGCCTACGGGTTCAAGAACAAGCTGATCATCGTCTCGGCAGAGACGGCCGGCAATGGGCT[G>A]TACAACTTCATCGTGCCACTGCGGGCCTACTACAGATCCCGCAAGGAGCTGAACCCCATC-3'
Protein context (NP_065873.2, residues 804-824): IVSAETAGNG[Leu814=]YNFIVPLRAY